The following is an entry in ClinVar:

NM_020987.5(ANK3):c.12596-306T>A

Gene: ANK3 (ankyrin 3; minus strand). Cytogenetic location: 10q21.2.
Variant type: single nucleotide variant.
Coding change: c.12596-306T>A on transcript NM_020987.5 (MANE Select); 306 bases into the intron before coding-DNA position 12596, T replaced by A.
Molecular consequence: intron variant. On other transcripts: missense variant (4).
Genome position (GRCh38, 1-based): chr10:60,059,736, A>T on the plus strand (T>A on the coding strand, the complement: ANK3 is on the minus strand). VCF-style: chr10-60059736-A-T. GRCh37 (hg19) VCF-style: chr10-61819494-A-T.
Other names: c.2429T>A, p.Val810Glu (NM_001149.4); c.5009T>A, p.Val1670Glu (NM_001204403.2); c.5030T>A, p.Val1677Glu (NM_001204404.2); c.5027T>A, p.Val1676Glu (NM_001320874.2); short protein forms V1670E, V1676E, V1677E, V810E.
Identifiers: ClinVar variation 2640484 (VCV002640484.24), dbSNP rs2492428906, ClinGen allele CA376992677.

ClinVar aggregate classification (germline): Uncertain significance (1 of 4 stars; one submission).

Submission:

CeGaT Center for Human Genetics Tuebingen
Classification: Uncertain significance. Last evaluated: 2022-05-01. Review status: criteria provided, single submitter. Criteria: CeGaT Center For Human Genetics Tuebingen Variant Classification Criteria Version 2. Collection method: clinical testing. Allele origin: germline. Affected: yes. Observed: 1 variant allele.
Comment: ANK3: PM2, BP4